The following is an entry in ClinVar:

ClinVar aggregate classification (germline): Uncertain significance (1 of 4 stars; one submission).

Conditions:
Inborn genetic diseases. Identifiers: MedGen C0950123, MeSH D030342.

gnomAD v4.1: 4 of 1,608,402 alleles (0.00025%); highest among the groups gnomAD compares: Non-Finnish European, 0.00026%; no homozygotes.

Submission:

Ambry Genetics
Classification: Uncertain significance for Inborn genetic diseases. Last evaluated: 2025-09-13. Review status: criteria provided, single submitter. Criteria: Ambry Variant Classification Scheme 2023. Collection method: clinical testing. Allele origin: germline.
Comment: The p.I1422F variant (also known as c.4264A>T), located in coding exon 15 of the FANCM gene, results from an A to T substitution at nucleotide position 4264. The isoleucine at codon 1422 is replaced by phenylalanine, an amino acid with highly similar properties. This amino acid position is conserved. In addition, this alteration is predicted to be tolerated by in silico analysis. Based on the available evidence, the clinical significance of this variant remains unclear.

NM_020937.4(FANCM):c.4264A>T (p.Ile1422Phe)

Gene: FANCM (FA complementation group M; plus strand). Cytogenetic location: 14q21.2.
Variant type: single nucleotide variant.
Coding change: c.4264A>T on transcript NM_020937.4 (MANE Select); coding-DNA position 4264, A replaced by T.
Protein change: p.Ile1422Phe; replaces isoleucine 1422 with phenylalanine.
Molecular consequence: missense variant.
Genome position (GRCh38, 1-based): chr14:45,181,471, A>T. VCF-style: chr14-45181471-A-T. GRCh37 (hg19) VCF-style: chr14-45650674-A-T.
Other names: c.4186A>T, p.Ile1396Phe (NM_001308133.2); short protein forms I1396F, I1422F.
Identifiers: ClinVar variation 4254754 (VCV004254754.1).